The following is an entry in ClinVar:

ClinVar aggregate classification (germline): Likely benign. Review status: criteria provided, single submitter (1 of 4 stars). 2 submissions from 2 submitters: Likely benign (1). 1 of the submissions does not count toward it. Last evaluated 2023-04-01.

Conditions:
SASH1-related disorder. Also called: SASH1-related condition.

Allele frequency attached by ClinVar (database versions not stated): ExAC 0.00067; TOPMed 0.00067; gnomAD exomes 0.00150; 1000 Genomes Project 0.00060; 1000 Genomes Project 30x 0.00062; gnomAD 0.00066.
gnomAD v4.1: 2,270 of 1,612,148 alleles (0.14%); highest among the groups gnomAD compares: Non-Finnish European, 0.18%; 4 homozygotes.

Submissions (2):

CeGaT Center for Human Genetics Tuebingen
Classification: Likely benign. Last evaluated: 2023-04-01. Review status: criteria provided, single submitter. Criteria: CeGaT Center For Human Genetics Tuebingen Variant Classification Criteria Version 2. Collection method: clinical testing. Allele origin: germline. Affected: yes. Observed: 2 variant alleles.
Comment: SASH1: BP4, BP7

PreventionGenetics, part of Exact Sciences
Classification: Likely benign for SASH1-related condition. Last evaluated: 2019-03-27. Review status: no assertion criteria provided. Collection method: clinical testing. Allele origin: germline. Not counted in ClinVar's aggregate classification.
Comment: This variant is classified as likely benign based on ACMG/AMP sequence variant interpretation guidelines (Richards et al. 2015 PMID: 25741868, with internal and published modifications).

NM_015278.5(SASH1):c.258A>G (p.Lys86=)

Gene: SASH1 (SAM and SH3 domain containing 1; plus strand). Cytogenetic location: 6q24.3.
Variant type: single nucleotide variant.
Coding change: c.258A>G on transcript NM_015278.5 (MANE Select); coding-DNA position 258, A replaced by G.
Protein change: p.Lys86=; no amino-acid change (lysine 86 retained).
Molecular consequence: synonymous variant. On other transcripts: 5 prime UTR variant (1).
Genome position (GRCh38, 1-based): chr6:148,390,235, A>G. VCF-style: chr6-148390235-A-G. GRCh37 (hg19) VCF-style: chr6-148711371-A-G.
Other names: c.123A>G, p.Lys41= (NM_001346505.2); c.-180A>G (NM_001346506.2); c.258A>G (NM_015278.4).
Identifiers: ClinVar variation 2656983 (VCV002656983.25), dbSNP rs200385590, ClinGen allele CA4039868.